The following is an entry in ClinVar:

ClinVar aggregate classification (germline): Uncertain significance (0 of 4 stars; one submission).

Conditions:
GIGYF2-related disorder. Also called: GIGYF2-related condition.

Submission:

PreventionGenetics, part of Exact Sciences
Classification: Uncertain significance for GIGYF2-related condition. Last evaluated: 2024-04-18. Review status: no assertion criteria provided. Collection method: clinical testing. Allele origin: germline.
Comment: The GIGYF2 c.3632A>C variant is predicted to result in the amino acid substitution p.Gln1211Pro. To our knowledge, this variant has not been reported in the literature or in a large population database, indicating this variant is rare. At this time, the clinical significance of this variant is uncertain due to the absence of conclusive functional and genetic evidence.

NM_001103146.3(GIGYF2):c.3632A>C (p.Gln1211Pro)

Gene: GIGYF2 (GRB10 interacting GYF protein 2; plus strand). Cytogenetic location: 2q37.1.
Variant type: single nucleotide variant.
Coding change: c.3632A>C on transcript NM_001103146.3 (MANE Select); coding-DNA position 3632, A replaced by C.
Protein change: p.Gln1211Pro; replaces glutamine 1211 with proline.
Molecular consequence: missense variant. On other transcripts: non-coding transcript variant (1).
Genome position (GRCh38, 1-based): chr2:232,847,519, A>C. VCF-style: chr2-232847519-A-C. GRCh37 (hg19) VCF-style: chr2-233712229-A-C.
Other names: c.3695A>C, p.Gln1232Pro (NM_001103147.2); c.3614A>C, p.Gln1205Pro (NM_001103148.2); c.3632A>C, p.Gln1211Pro (NM_015575.4); short protein forms Q1205P, Q1211P, Q1232P.
Identifiers: ClinVar variation 3357752 (VCV003357752.1).